The following is an entry in ClinVar:

ClinVar aggregate classification (germline): Likely pathogenic (1 of 4 stars; one submission).

Conditions:
Hereditary cancer-predisposing syndrome. Also called: Neoplastic Syndromes, Hereditary; Tumor predisposition; Hereditary Cancer Syndrome; Hereditary neoplastic syndrome. Identifiers: Orphanet 140162, MedGen C0027672, MeSH D009386, MONDO:0015356.

Submission:

Labcorp Genetics (formerly Invitae), Labcorp
Classification: Likely pathogenic for Hereditary cancer-predisposing syndrome. Last evaluated: 2025-11-10. Review status: criteria provided, single submitter. Criteria: Invitae Variant Classification Sherloc (09022015). Collection method: clinical testing. Allele origin: germline.
Comment: This sequence change affects a donor splice site in intron 17 of the RAD50 gene. It is expected to disrupt RNA splicing. Variants that disrupt the donor or acceptor splice site typically lead to a loss of protein function (PMID: 16199547), and loss-of-function variants in RAD50 are known to be pathogenic (PMID: 19409520). This variant is not present in population databases (gnomAD no frequency). This variant has not been reported in the literature in individuals affected with RAD50-related conditions. ClinVar contains an entry for this variant (Variation ID: 2024577). Algorithms developed to predict the effect of sequence changes on RNA splicing suggest that this variant may disrupt the consensus splice site. In summary, the currently available evidence indicates that the variant is pathogenic, but additional data are needed to prove that conclusively. Therefore, this variant has been classified as Likely Pathogenic.

Literature cited by the submitters: PubMed 16199547; PubMed 19409520.

NM_005732.4(RAD50):c.2829+2T>C

Gene: RAD50 (RAD50 double strand break repair protein; plus strand). Cytogenetic location: 5q31.1.
Variant type: single nucleotide variant.
Coding change: c.2829+2T>C on transcript NM_005732.4 (MANE Select); the canonical splice donor site of the intron after coding-DNA position 2829, T replaced by C.
Molecular consequence: splice donor variant.
Genome position (GRCh38, 1-based): chr5:132,608,727, T>C. VCF-style: chr5-132608727-T-C. GRCh37 (hg19) VCF-style: chr5-131944419-T-C.
Identifiers: ClinVar variation 2024577 (VCV002024577.4), dbSNP rs1168726198, ClinGen allele CA360959293.